The following is an entry in ClinVar:

NM_001374828.1(ARID1B):c.4280G>T (p.Ser1427Ile)

Gene: ARID1B (AT-rich interaction domain 1B; plus strand). Cytogenetic location: 6q25.3.
Variant type: single nucleotide variant.
Coding change: c.4280G>T on transcript NM_001374828.1 (MANE Select); coding-DNA position 4280, G replaced by T.
Protein change: p.Ser1427Ile; replaces serine 1427 with isoleucine.
Molecular consequence: missense variant.
Genome position (GRCh38, 1-based): chr6:157,196,213, G>T. VCF-style: chr6-157196213-G-T. GRCh37 (hg19) VCF-style: chr6-157517347-G-T.
Other names: c.4031G>T, p.Ser1344Ile (NM_001346813.1); c.1781G>T, p.Ser594Ile (NM_001363725.2); c.4160G>T, p.Ser1387Ile (NM_001371656.1, NM_001374820.1); c.4121G>T, p.Ser1374Ile (NM_017519.3); c.3911G>T, p.Ser1304Ile (NM_020732.3); c.3698G>T, p.Ser1233Ile (NM_175863.2); short protein forms S1233I, S1304I, S1344I, S1374I, S1387I, S1427I, S594I.
Identifiers: ClinVar variation 3037585 (VCV003037585.2), dbSNP rs774520303, ClinGen allele CA366238171.
Genomic context (GRCh38, chr6:157,196,213, plus strand): 5'-AAAATATTGCAGTGCCTGGAAGCAGCGAGCCCTTTATGACGCAAGGACAGATGCCCAACA[G>T]CAGCATGCAGGACATGTACAACCAAAGTCCCTCCGGAGCAATGTCTAACCTGGGCATGGG-3'
Protein context (NP_001361757.1, residues 1417-1437): PFMTQGQMPN[Ser1427Ile]SMQDMYNQSP

ClinVar aggregate classification (germline): Uncertain significance (0 of 4 stars; one submission).

Conditions:
ARID1B-Related Disorder. Identifiers: MedGen CN381337.

gnomAD v4.1: 1 of 1,613,700 alleles (0.000062%); highest among the groups gnomAD compares: Non-Finnish European, 0.000085%; no homozygotes.

Submission:

PreventionGenetics, part of Exact Sciences
Classification: Uncertain significance for ARID1B-related condition. Last evaluated: 2023-10-24. Review status: no assertion criteria provided. Collection method: clinical testing. Allele origin: germline.
Comment: The ARID1B c.3911G>T variant is predicted to result in the amino acid substitution p.Ser1304Ile. To our knowledge, this variant has not been reported in the literature or in a large population database, indicating this variant is rare. At this time, the clinical significance of this variant is uncertain due to the absence of conclusive functional and genetic evidence.